The following is an entry in ClinVar:

ClinVar aggregate classification (germline): Uncertain significance (1 of 4 stars; one submission).

Submission:

Labcorp Genetics (formerly Invitae), Labcorp
Classification: Uncertain significance. Last evaluated: 2020-10-09. Review status: criteria provided, single submitter. Criteria: Invitae Variant Classification Sherloc (09022015). Collection method: clinical testing. Allele origin: germline.
Comment: This sequence change replaces valine with glutamic acid at codon 290 of the KPNA7 protein (p.Val290Glu). The valine residue is weakly conserved and there is a moderate physicochemical difference between valine and glutamic acid. In summary, the available evidence is currently insufficient to determine the role of this variant in disease. Therefore, it has been classified as a Variant of Uncertain Significance. Algorithms developed to predict the effect of missense changes on protein structure and function output the following: SIFT: "Tolerated"; PolyPhen-2: "Benign"; Align-GVGD: "Class C0". The glutamic acid amino acid residue is found in multiple mammalian species, suggesting that this missense change does not adversely affect protein function. These predictions have not been confirmed by published functional studies and their clinical significance is uncertain. This variant has not been reported in the literature in individuals with KPNA7-related conditions. This variant is not present in population databases (ExAC no frequency).

NM_001145715.3(KPNA7):c.869T>A (p.Val290Glu)

Gene: KPNA7 (karyopherin subunit alpha 7; minus strand). Cytogenetic location: 7q22.1.
Variant type: single nucleotide variant.
Coding change: c.869T>A on transcript NM_001145715.3 (MANE Select); coding-DNA position 869, T replaced by A.
Protein change: p.Val290Glu; replaces valine 290 with glutamic acid.
Molecular consequence: missense variant.
Genome position (GRCh38, 1-based): chr7:99,188,331, A>T on the plus strand (T>A on the coding strand, the complement: KPNA7 is on the minus strand). VCF-style: chr7-99188331-A-T. GRCh37 (hg19) VCF-style: chr7-98785954-A-T.
Other names: short protein forms V290E.
Identifiers: ClinVar variation 1007956 (VCV001007956.9), dbSNP rs1789736705, ClinGen allele CA368419633.